The following is an entry in ClinVar:

ClinVar aggregate classification (germline): not provided (0 of 4 stars; one submission).

Allele frequency attached by ClinVar (database versions not stated): gnomAD 0.00001 and 0.00003; gnomAD exomes 0.00002 and 0.00011; TOPMed 0.00003; ESP Exome Variant Server 0.00008; ExAC 0.00012; 1000 Genomes Project 0.00040; 1000 Genomes Project 30x 0.00062.
gnomAD v4.1: 35 of 1,605,528 alleles (0.0022%); highest among the groups gnomAD compares: Admixed American, 0.04%; no homozygotes.

Submission:

ITMI
No classification provided. Condition: AllHighlyPenetrant. Last evaluated: 2013-09-19. Review status: no classification provided. Collection method: reference population. Allele origin: germline.
Comment: Please see associated publication for description of ethnicities

Literature cited by the submitters: PubMed 24728327.

NM_004119.3(FLT3):c.2858C>T (p.Ala953Val)

Gene: FLT3 (fms related receptor tyrosine kinase 3; minus strand). Cytogenetic location: 13q12.2.
Variant type: single nucleotide variant.
Coding change: c.2858C>T on transcript NM_004119.3 (MANE Select); coding-DNA position 2858, C replaced by T.
Protein change: p.Ala953Val; replaces alanine 953 with valine.
Molecular consequence: missense variant. On other transcripts: non-coding transcript variant (1).
Genome position (GRCh38, 1-based): chr13:28,014,453, G>A on the plus strand (C>T on the coding strand, the complement: FLT3 is on the minus strand). VCF-style: chr13-28014453-G-A. GRCh37 (hg19) VCF-style: chr13-28588590-G-A.
Other names: short protein forms A953V.
Identifiers: ClinVar variation 134437 (VCV000134437.1), dbSNP rs145998293, ClinGen allele CA159816.